The following is an entry in ClinVar:

ClinVar aggregate classification (germline): Pathogenic (1 of 4 stars; one submission).

Conditions:
Neuromuscular disease caused by qualitative or quantitative defects of dysferlin. Also called: Qualitative or quantitative defects of dysferlin; Dysferlinopathy. Identifiers: Orphanet 207073, MedGen C2931687, MONDO:0016145.

Submission:

Labcorp Genetics (formerly Invitae), Labcorp
Classification: Pathogenic for Neuromuscular disease caused by qualitative or quantitative defects of dysferlin. Last evaluated: 2023-07-29. Review status: criteria provided, single submitter. Criteria: Invitae Variant Classification Sherloc (09022015). Collection method: clinical testing. Allele origin: germline.
Comment: For these reasons, this variant has been classified as Pathogenic. ClinVar contains an entry for this variant (Variation ID: 2009232). This variant has not been reported in the literature in individuals affected with DYSF-related conditions. This variant is not present in population databases (gnomAD no frequency). This sequence change creates a premature translational stop signal (p.Ile1018Thrfs*39) in the DYSF gene. It is expected to result in an absent or disrupted protein product. Loss-of-function variants in DYSF are known to be pathogenic (PMID: 17698709, 20301480).

Literature cited by the submitters: PubMed 17698709; PubMed 20301480.

NM_001130987.2(DYSF):c.3107del (p.Ile1036fs)

Gene: DYSF (dysferlin; plus strand). Cytogenetic location: 2p13.2.
Variant type: Deletion.
Coding change: c.3107del on transcript NM_001130987.2 (MANE Select); coding-DNA position 3107, one base deleted (T; older notation c.3107delT).
Protein change: p.Ile1036fs; shifts the reading frame from isoleucine 1036.
Molecular consequence: frameshift variant.
Genome position (GRCh38, 1-based): chr2:71,570,620, T deleted. VCF-style (leftmost placement, unchanged base first): chr2-71570619-AT-A. GRCh37 (hg19) VCF-style: chr2-71797749-AT-A.
Other names: c.3056del, p.Ile1019fs (NM_001130455.2, NM_001130983.2); c.3011del, p.Ile1004fs (NM_001130976.2, NM_001130977.2); c.3053del, p.Ile1018fs (NM_001130978.2, NM_003494.4); c.3146del, p.Ile1049fs (NM_001130979.2); c.3104del, p.Ile1035fs (NM_001130980.2, NM_001130981.2); c.3149del, p.Ile1050fs (NM_001130982.2); c.3014del, p.Ile1005fs (NM_001130984.2, NM_001130986.2); c.3107del, p.Ile1036fs (NM_001130985.2); short protein forms I1005fs, I1050fs, I1004fs, I1018fs, I1019fs, I1035fs, I1036fs, I1049fs.
Identifiers: ClinVar variation 2009232 (VCV002009232.4), dbSNP rs2545823444, ClinGen allele CA2580067855.